The following is an entry in ClinVar:

NM_001365951.3(KIF1B):c.3599A>G (p.His1200Arg)

Gene: KIF1B (kinesin family member 1B; plus strand). Cytogenetic location: 1p36.22.
Variant type: single nucleotide variant.
Coding change: c.3599A>G on transcript NM_001365951.3 (MANE Select); coding-DNA position 3599, A replaced by G.
Protein change: p.His1200Arg; replaces histidine 1200 with arginine.
Molecular consequence: missense variant.
Genome position (GRCh38, 1-based): chr1:10,342,135, A>G. VCF-style: chr1-10342135-A-G. GRCh37 (hg19) VCF-style: chr1-10402193-A-G.
Other names: c.3599A>G, p.His1200Arg (NM_001365952.1); c.3461A>G, p.His1154Arg (NM_015074.3); short protein forms H1200R, H1154R.
Identifiers: ClinVar variation 1731645 (VCV001731645.2), dbSNP rs2521752560, ClinGen allele CA338341873.

ClinVar aggregate classification (germline): Uncertain significance (1 of 4 stars; one submission).

Submission:

Ambry Genetics
Classification: Uncertain significance. Last evaluated: 2022-06-02. Review status: criteria provided, single submitter. Criteria: Ambry Variant Classification Scheme 2023. Collection method: clinical testing. Allele origin: germline.
Comment: The p.H1154R variant (also known as c.3461A>G), located in coding exon 30 of the KIF1B gene, results from an A to G substitution at nucleotide position 3461. The histidine at codon 1154 is replaced by arginine, an amino acid with highly similar properties. This amino acid position is conserved. In addition, the in silico prediction for this alteration is inconclusive. Since supporting evidence is limited at this time, the clinical significance of this alteration remains unclear.